The following is an entry in ClinVar:

ClinVar aggregate classification (germline): Conflicting classifications of pathogenicity. Review status: criteria provided, conflicting classifications (1 of 4 stars). 6 submissions from 6 submitters: Likely pathogenic (3); Uncertain significance (3). Last evaluated 2025-03-05.

Conditions:
Hereditary diffuse gastric adenocarcinoma (HDGC). Also called: DIFFUSE GASTRIC AND LOBULAR BREAST CANCER SYNDROME. Identifiers: Orphanet 26106, MedGen C1708349, MONDO:0007648, OMIM 137215.
Hereditary cancer-predisposing syndrome. Also called: Hereditary neoplastic syndrome; Neoplastic Syndromes, Hereditary; Tumor predisposition; Hereditary Cancer Syndrome. Identifiers: Orphanet 140162, MedGen C0027672, MeSH D009386, MONDO:0015356.

Submissions (6):

Labcorp Genetics (formerly Invitae), Labcorp
Classification: Uncertain significance for Hereditary diffuse gastric adenocarcinoma. Last evaluated: 2025-03-05. Review status: criteria provided, single submitter. Criteria: Invitae Variant Classification Sherloc (09022015). Collection method: clinical testing. Allele origin: germline.
Comment: This sequence change falls in intron 14 of the CDH1 gene. It does not directly change the encoded amino acid sequence of the CDH1 protein. It affects a nucleotide within the consensus splice site. This variant is not present in population databases (gnomAD no frequency). This variant has not been reported in the literature in individuals affected with CDH1-related conditions. ClinVar contains an entry for this variant (Variation ID: 279748). Variants that disrupt the consensus splice site are a relatively common cause of aberrant splicing (PMID: 17576681, 9536098). Algorithms developed to predict the effect of sequence changes on RNA splicing suggest that this variant may disrupt the consensus splice site. In summary, the available evidence is currently insufficient to determine the role of this variant in disease. Therefore, it has been classified as a Variant of Uncertain Significance.

Hereditary Cancer Laboratory, Hospital Universitario 12 de Octubre
Classification: Uncertain significance for Hereditary cancer-predisposing syndrome. Last evaluated: 2024-12-16. Review status: criteria provided, single submitter. Criteria: ACMG Guidelines, 2015. Collection method: clinical testing. Allele origin: germline.
Comment: PM2 + PP3.

GeneDx
Classification: Likely pathogenic. Last evaluated: 2024-04-02. Review status: criteria provided, single submitter. Criteria: GeneDx Variant Classification Process June 2021. Collection method: clinical testing. Allele origin: germline. Affected: yes.
Comment: In silico analysis supports a deleterious effect on splicing; Not observed at significant frequency in large population cohorts (gnomAD); Has not been previously published as pathogenic or benign to our knowledge

Ambry Genetics
Classification: Likely pathogenic for Hereditary cancer-predisposing syndrome. Last evaluated: 2024-03-21. Review status: criteria provided, single submitter. Criteria: Ambry Variant Classification Scheme 2023. Collection method: clinical testing. Allele origin: germline.
Comment: The c.2296-3A>G intronic variant results from an A to G substitution 3 nucleotides upstream from coding exon 15 in the CDH1 gene. This nucleotide position is not well conserved in available vertebrate species. In silico splice site analysis predicts that this alteration will weaken the native splice acceptor site and will result in the creation or strengthening of a novel splice acceptor site. RNA studies have demonstrated that this alteration results in abnormal splicing in the set of samples tested (Ambry internal data). Based on the majority of available evidence to date, this variant is likely to be pathogenic.

Myriad Genetics, Inc.
Classification: Likely pathogenic for Hereditary diffuse gastric adenocarcinoma. Last evaluated: 2023-06-15. Review status: criteria provided, single submitter. Criteria: Myriad Autosomal Dominant, Autosomal Recessive and X-Linked Classification Criteria (2023). Collection method: clinical testing. Allele origin: unknown.
Comment: This variant is considered likely pathogenic. mRNA analysis has demonstrated abnormal mRNA splicing occurs [Myriad internal data].

Women's Health and Genetics/Laboratory Corporation of America, LabCorp
Classification: Uncertain significance. Last evaluated: 2022-09-19. Review status: criteria provided, single submitter. Criteria: LabCorp Variant Classification Summary - May 2015. Collection method: clinical testing. Allele origin: germline.
Comment: Variant summary: CDH1 c.2296-3A>G alters a conserved nucleotide located close to a canonical splice site and therefore could affect mRNA splicing, leading to a significantly altered protein sequence. Several computational tools predict a significant impact on normal splicing: Four predict the variant creates a 3 prime acceptor site. However, these predictions have yet to be confirmed by functional studies. The variant was absent in 251348 control chromosomes. The available data on variant occurrences in the general population are insufficient to allow any conclusion about variant significance. To our knowledge, no occurrence of germline c.2296-3A>G in individuals affected with Breast Cancer and no experimental evidence demonstrating its impact on protein function have been reported. Two clinical diagnostic laboratories have submitted clinical-significance assessments for this variant to ClinVar after 2014 without evidence for independent evaluation. Both laboratories classified the variant as uncertain significance. Based on the evidence outlined above, the variant was classified as uncertain significance.

Literature cited by the submitters: PubMed 17576681 (cited by Labcorp Genetics (formerly Invitae), Labcorp); PubMed 9536098 (cited by Labcorp Genetics (formerly Invitae), Labcorp).

NM_004360.5(CDH1):c.2296-3A>G

Gene: CDH1 (cadherin 1; plus strand). Cytogenetic location: 16q22.1.
Variant type: single nucleotide variant.
Coding change: c.2296-3A>G on transcript NM_004360.5 (MANE Select); 3 bases into the intron before coding-DNA position 2296, A replaced by G.
Molecular consequence: intron variant.
Genome position (GRCh38, 1-based): chr16:68,829,651, A>G. VCF-style: chr16-68829651-A-G. GRCh37 (hg19) VCF-style: chr16-68863554-A-G.
Other names: c.2296-3A>G (LRG_301t1); c.748-3A>G (NM_001317185.2); c.331-3A>G (NM_001317186.2); c.2113-3A>G (NM_001317184.2).
Identifiers: ClinVar variation 279748 (VCV000279748.19), dbSNP rs113067020, ClinGen allele CA10603554.